The following is an entry in ClinVar:

NM_002055.5(GFAP):c.234C>T (p.Asp78=)

Gene: GFAP (glial fibrillary acidic protein; minus strand). Cytogenetic location: 17q21.31.
Variant type: single nucleotide variant.
Coding change: c.234C>T on transcript NM_002055.5 (MANE Select); coding-DNA position 234, C replaced by T.
Protein change: p.Asp78=; no amino-acid change (aspartic acid 78 retained).
Molecular consequence: synonymous variant.
Genome position (GRCh38, 1-based): chr17:44,915,253, G>A on the plus strand (C>T on the coding strand, the complement: GFAP is on the minus strand). VCF-style: chr17-44915253-G-A. GRCh37 (hg19) VCF-style: chr17-42992621-G-A.
Other names: c.234C>T, p.Asp78= (NM_001131019.3, NM_001242376.3, NM_001363846.2).
Identifiers: ClinVar variation 4281494 (VCV004281494.7).
Genomic context (GRCh38, chr17:44,915,253, plus strand): 5'-AGCCAGCGCCTTGTTTTGCTGTTCCAGGAAGCGAACCTTCTCGATGTAGCTGGCAAAGCG[G>A]TCATTGAGCTCCATCATCTCTGCCCGCTCACTGGCCCGGGTCTCCTTGAAGCCAGCATTG-3'
Protein context (NP_002046.1, residues 68-88): SERAEMMELN[Asp78=]RFASYIEKVR

ClinVar aggregate classification (germline): Likely benign (1 of 4 stars; one submission).

gnomAD v4.1: 1 of 1,614,200 alleles (0.000062%); highest among the groups gnomAD compares: Non-Finnish European, 0.000085%; no homozygotes.

Submission:

CeGaT Center for Human Genetics Tuebingen
Classification: Likely benign. Last evaluated: 2025-09-01. Review status: criteria provided, single submitter. Criteria: CeGaT Center For Human Genetics Tuebingen Variant Classification Criteria Version 2. Collection method: clinical testing. Allele origin: germline. Affected: yes. Observed: 1 variant allele.
Comment: GFAP: BP4, BP7